The following is an entry in ClinVar:

NM_004304.5(ALK):c.2191A>G (p.Thr731Ala)

Gene: ALK (ALK receptor tyrosine kinase; minus strand). Cytogenetic location: 2p23.2.
Variant type: single nucleotide variant.
Coding change: c.2191A>G on transcript NM_004304.5 (MANE Select); coding-DNA position 2191, A replaced by G.
Protein change: p.Thr731Ala; replaces threonine 731 with alanine.
Molecular consequence: missense variant.
Genome position (GRCh38, 1-based): chr2:29,251,118, T>C on the plus strand (A>G on the coding strand, the complement: ALK is on the minus strand). VCF-style: chr2-29251118-T-C. GRCh37 (hg19) VCF-style: chr2-29473984-T-C.
Other names: short protein forms T731A.
Identifiers: ClinVar variation 942962 (VCV000942962.9), dbSNP rs1664804307, ClinGen allele CA346476708.

ClinVar aggregate classification (germline): Uncertain significance (1 of 4 stars; one submission).

Conditions:
Neuroblastoma, susceptibility to, 3. Also called: ALK-Related Neuroblastic Tumor Susceptibility. Identifiers: Orphanet 635, MedGen C2751681, MONDO:0013083, OMIM 613014.

Submission:

Labcorp Genetics (formerly Invitae), Labcorp
Classification: Uncertain significance for Neuroblastoma, susceptibility to, 3. Last evaluated: 2019-05-31. Review status: criteria provided, single submitter. Criteria: Invitae Variant Classification Sherloc (09022015). Collection method: clinical testing. Allele origin: germline.
Comment: In summary, the available evidence is currently insufficient to determine the role of this variant in disease. Therefore, it has been classified as a Variant of Uncertain Significance. Algorithms developed to predict the effect of missense changes on protein structure and function (SIFT, PolyPhen-2, Align-GVGD) all suggest that this variant is likely to be disruptive, but these predictions have not been confirmed by published functional studies and their clinical significance is uncertain. This variant has not been reported in the literature in individuals with ALK-related conditions. This variant is not present in population databases (ExAC no frequency). This sequence change replaces threonine with alanine at codon 731 of the ALK protein (p.Thr731Ala). The threonine residue is highly conserved and there is a small physicochemical difference between threonine and alanine.